The following is an entry in ClinVar:

NM_001110219.3(GJB6):c.424_425del (p.Phe142fs)

Gene: GJB6 (gap junction protein beta 6; minus strand). Cytogenetic location: 13q12.11.
Variant type: Deletion.
Coding change: c.424_425del on transcript NM_001110219.3 (MANE Select); coding-DNA positions 424 to 425, 2 bases deleted (TT; older notation c.424_425delTT).
Protein change: p.Phe142fs; shifts the reading frame from phenylalanine 142.
Molecular consequence: frameshift variant.
Genome position (GRCh38, 1-based): chr13:20,223,056-20,223,057, AA deleted on the plus strand (TT on the coding strand, the reverse complement: GJB6 is on the minus strand); deleting any 2 consecutive bases within chr13:20,223,056-20,223,060 gives the same sequence; the c. name uses the placement nearest the transcript's 3' end. VCF-style (leftmost placement, unchanged base first): chr13-20223055-GAA-G. GRCh37 (hg19) VCF-style: chr13-20797194-GAA-G.
Other names: c.424_425del, p.Phe142fs (NM_001110220.3, NM_001110221.3, NM_001370090.1 and 3 more transcripts); short protein forms F142fs.
Identifiers: ClinVar variation 4784372 (VCV004784372.1).

ClinVar aggregate classification (germline): Uncertain significance (1 of 4 stars; one submission).

Conditions:
Autosomal dominant nonsyndromic hearing loss 3B. Identifiers: Orphanet 90635, MedGen C2675237, MONDO:0012975, OMIM 612643.
Autosomal recessive nonsyndromic hearing loss 1A (DFNB1A). Also called: Connexin 26 deafness; Deafness nonsyndromic, Connexin 26 linked; GJB6-Related DFNB 1 Nonsyndromic Hearing Loss and Deafness; Deafness, autosomal recessive 1A; Nonsyndromic Hearing Loss and Deafness, DFNB1; GJB2-Related Autosomal Recessive Nonsyndromic Hearing Loss. Identifiers: Orphanet 90636, MedGen C2673759, MONDO:0009076, OMIM 220290.
Hidrotic ectodermal dysplasia syndrome (GJB6). Also called: CLOUSTON HIDROTIC ECTODERMAL DYSPLASIA; Ectodermal dysplasia 2, hidrotic; Autosomal dominant hidrotic ectodermal dysplasia; Clouston syndrome; Clouston's hidrotic ectodermal dysplasia; ECTODERMAL DYSPLASIA 2, CLOUSTON TYPE. Identifiers: Orphanet 189, MedGen C0162361, MONDO:0007510, OMIM 129500.
Autosomal recessive nonsyndromic hearing loss 1B. Also called: DEAFNESS, AUTOSOMAL RECESSIVE 1B. Identifiers: Orphanet 90636, MedGen C2675235, MONDO:0012977, OMIM 612645.

Submission:

Labcorp Genetics (formerly Invitae), Labcorp
Classification: Uncertain significance for Autosomal dominant nonsyndromic hearing loss 3B; Hidrotic ectodermal dysplasia syndrome; Autosomal recessive nonsyndromic hearing loss 1B; Autosomal recessive nonsyndromic hearing loss 1A. Last evaluated: 2025-04-22. Review status: criteria provided, single submitter. Criteria: Invitae Variant Classification Sherloc (09022015). Collection method: clinical testing. Allele origin: germline.
Comment: This sequence change creates a premature translational stop signal (p.Phe142Profs*5) in the GJB6 gene. While this is not anticipated to result in nonsense mediated decay, it is expected to disrupt the last 120 amino acid(s) of the GJB6 protein. This variant is not present in population databases (gnomAD no frequency). This variant has not been reported in the literature in individuals affected with GJB6-related conditions. Algorithms developed to predict the effect of sequence changes on RNA splicing suggest that this variant may create or strengthen a splice site. In summary, the available evidence is currently insufficient to determine the role of this variant in disease. Therefore, it has been classified as a Variant of Uncertain Significance.